The following is an entry in ClinVar:

NM_201253.3(CRB1):c.1604_1607dup (p.Glu536fs)

Gene: CRB1 (crumbs cell polarity complex component 1; plus strand). Cytogenetic location: 1q31.3.
Variant type: Duplication.
Coding change: c.1604_1607dup on transcript NM_201253.3 (MANE Select); coding-DNA positions 1604 to 1607, 4 bases duplicated (TGGA; older notation c.1604_1607dupTGGA).
Protein change: p.Glu536fs; shifts the reading frame from glutamic acid 536.
Molecular consequence: frameshift variant. On other transcripts: non-coding transcript variant (2).
Genome position (GRCh38, 1-based): chr1:197,421,432-197,421,435, TGGA duplicated. VCF-style (leftmost placement, unchanged base first): chr1-197421431-C-CTGGA. GRCh37 (hg19) VCF-style: chr1-197390561-C-CTGGA.
Other names: c.1268_1271dup, p.Glu424fs (NM_001193640.2); c.1397_1400dup, p.Glu467fs (NM_001257965.2); c.1604_1607dup, p.Glu536fs (NM_001257966.2); short protein forms E424fs, E467fs, E536fs.
Identifiers: ClinVar variation 1333702 (VCV001333702.1), dbSNP rs2125470141, ClinGen allele CA2573051455.

ClinVar aggregate classification (germline): Likely pathogenic (1 of 4 stars; one submission).

Conditions:
Retinitis pigmentosa 12 (RP12). Also called: RP WITH OR WITHOUT PPRPE; RP WITH OR WITHOUT PRESERVED PARAARTERIOLE RETINAL PIGMENT EPITHELIUM; RETINITIS PIGMENTOSA WITH OR WITHOUT PARAARTERIOLAR PRESERVATION OF RETINAL PIGMENT EPITHELIUM. Identifiers: Orphanet 791, MedGen C1838647, MONDO:0010818, OMIM 600105.

Submission:

3billion
Classification: Likely pathogenic for Retinitis pigmentosa 12. Last evaluated: 2022-01-03. Review status: criteria provided, single submitter. Criteria: ACMG Guidelines, 2015. Collection method: clinical testing. Allele origin: germline. Affected: yes. Observed: 1 heterozygote.
Comment: Frameshift: predicted to result in a loss or disruption of normal protein function through nonsense-mediated decay (NMD) or protein truncation. Multiple pathogenic variants are reported downstream of the variant (PVS1_VS). It is not observed in the gnomAD v2.1.1 dataset (PM2_M). Therefore, this variant is classified as likely pathogenic according to the recommendation of ACMG/AMP guideline.